The following is an entry in ClinVar:

ClinVar aggregate classification (germline): Uncertain significance (1 of 4 stars; one submission).

gnomAD v4.1: 3 of 1,592,580 alleles (0.00019%); highest among the groups gnomAD compares: Non-Finnish European, 0.00026%; no homozygotes.

Submission:

GeneDx
Classification: Uncertain significance. Last evaluated: 2026-10-19. Review status: criteria provided, single submitter. Criteria: GeneDx Variant Classification Process June 2021. Collection method: clinical testing. Allele origin: germline.
Comment: Not observed at significant frequency in large population cohorts (gnomAD); In silico analysis indicates that this missense variant does not alter protein structure/function; Has not been previously published as pathogenic or benign to our knowledge

NM_005861.4(STUB1):c.628G>A (p.Asp210Asn)

Genes: JMJD8 (jumonji domain containing 8; minus strand), STUB1 (STIP1 homology and U-box containing protein 1; plus strand). Cytogenetic location: 16p13.3.
Variant type: single nucleotide variant.
Coding change: c.628G>A on transcript NM_005861.4 (MANE Select); coding-DNA position 628, G replaced by A.
Protein change: p.Asp210Asn; replaces aspartic acid 210 with asparagine.
Molecular consequence: missense variant. On other transcripts: 3 prime UTR variant (5), non-coding transcript variant (3).
Genome position (GRCh38, 1-based): chr16:682,035, G>A. VCF-style: chr16-682035-G-A. GRCh37 (hg19) VCF-style: chr16-732035-G-A.
Other names: c.412G>A, p.Asp138Asn (NM_001293197.2); c.*759C>T (NM_001005920.4, NM_001323919.3, NM_001323920.3); c.*793C>T (NM_001323918.3, NM_001323922.3); short protein forms D138N, D210N.
Identifiers: ClinVar variation 3731022 (VCV003731022.2).